The following is an entry in ClinVar:

ClinVar aggregate classification (germline): Uncertain significance (1 of 4 stars; one submission).

Submission:

Ambry Genetics
Classification: Uncertain significance. Last evaluated: 2022-11-12. Review status: criteria provided, single submitter. Criteria: Ambry Variant Classification Scheme 2023. Collection method: clinical testing. Allele origin: germline.
Comment: The p.P2902S variant (also known as c.8704C>T), located in coding exon 63 of the PRKDC gene, results from a C to T substitution at nucleotide position 8704. The proline at codon 2902 is replaced by serine, an amino acid with similar properties. This amino acid position is conserved. In addition, the in silico prediction for this alteration is inconclusive. Since supporting evidence is limited at this time, the clinical significance of this alteration remains unclear.

NM_006904.7(PRKDC):c.8704C>T (p.Pro2902Ser)

Genes: PRKDC (protein kinase, DNA-activated, catalytic subunit; minus strand), LOC121740717 (Sharpr-MPRA regulatory region 7649; plus strand). Cytogenetic location: 8q11.21.
Variant type: single nucleotide variant.
Coding change: c.8704C>T on transcript NM_006904.7 (MANE Select); coding-DNA position 8704, C replaced by T.
Protein change: p.Pro2902Ser; replaces proline 2902 with serine.
Molecular consequence: missense variant.
Genome position (GRCh38, 1-based): chr8:47,826,735, G>A on the plus strand (C>T on the coding strand, the complement: PRKDC is on the minus strand). VCF-style: chr8-47826735-G-A. GRCh37 (hg19) VCF-style: chr8-48739296-G-A.
Other names: c.8704C>T, p.Pro2902Ser (NM_001081640.2); short protein forms P2902S.
Identifiers: ClinVar variation 2449814 (VCV002449814.2), dbSNP rs2551866135, ClinGen allele CA371143734.